The following is an entry in ClinVar:

ClinVar aggregate classification (germline): Likely pathogenic (1 of 4 stars; one submission).

Conditions:
Mucopolysaccharidosis, MPS-II (MPS2). Also called: Hunter Syndrome; IDURONATE 2-SULFATASE DEFICIENCY; Mucopolysaccharidosis Type II; Mucopolysaccharidosis type 2; Attenuated MPS (subtype; formerly known as mild MPS II); Severe MPS II. Identifiers: Orphanet 580, Orphanet 79388, MedGen C0026705, MONDO:0010674, OMIM 309900.

Submission:

Laboratory of Diagnosis and Therapy of Lysosomal Disorders, University of Padova
Classification: Likely pathogenic for Mucopolysaccharidosis, MPS-II. Last evaluated: 2024-06-07. Review status: criteria provided, single submitter. Criteria: ACMG Guidelines, 2015. Collection method: literature only. Allele origin: germline. Affected: yes. Observed: 1 variant allele.
Comment: Absent from controls (or at low frequency) in gnomAD database (PM2_Moderate), Missense variant in a gene with a low rate of benign missense variation (PP2_Supporting), Multiple lines of computational evidence support a deleterious effect (PP3_Supporting), Patient’s phenotype or family history highly specific for the disease (PP4_Strong)

Classification method: ACMG Guidelines [PMID:25741868] with modifications

Literature cited by the submitters: PubMed 35225932.

NM_000202.8(IDS):c.897C>G (p.Ser299Arg)

Genes: IDS (iduronate 2-sulfatase; minus strand), LOC106050102 (IDS recombination region; plus strand). Cytogenetic location: Xq28.
Variant type: single nucleotide variant.
Coding change: c.897C>G on transcript NM_000202.8 (MANE Select); coding-DNA position 897, C replaced by G.
Protein change: p.Ser299Arg; replaces serine 299 with arginine.
Molecular consequence: missense variant. On other transcripts: non-coding transcript variant (1).
Genome position (GRCh38, 1-based): chrX:149,490,423, G>C on the plus strand (C>G on the coding strand, the complement: IDS is on the minus strand). VCF-style: chrX-149490423-G-C. GRCh37 (hg19) VCF-style: chrX-148571954-G-C.
Other names: c.627C>G, p.Ser209Arg (NM_001166550.4); c.897C>G, p.Ser299Arg (NM_006123.5); short protein forms S209R, S299R.
Identifiers: ClinVar variation 3255876 (VCV003255876.2).